The following is an entry in ClinVar:

NM_133433.4(NIPBL):c.4589_4590del (p.Ser1530fs)

Gene: NIPBL (NIPBL cohesin loading factor; plus strand). Cytogenetic location: 5p13.2.
Variant type: Microsatellite.
Coding change: c.4589_4590del on transcript NM_133433.4 (MANE Select); coding-DNA positions 4589 to 4590, 2 bases deleted (CT; older notation c.4589_4590delCT).
Protein change: p.Ser1530fs; shifts the reading frame from serine 1530.
Molecular consequence: frameshift variant.
Genome position (GRCh38, 1-based): chr5:37,014,711-37,014,712, CT deleted; deleting any 2 consecutive bases within chr5:37,014,709-37,014,712 gives the same sequence; the c. name uses the placement nearest the transcript's 3' end. VCF-style (leftmost placement, unchanged base first): chr5-37014708-ACT-A. GRCh37 (hg19) VCF-style: chr5-37014810-ACT-A.
Other names: c.4589_4590del, p.Ser1530fs (NM_001438586.1, NM_015384.5); short protein forms S1530fs.
Identifiers: ClinVar variation 4999921 (VCV004999921.1).

ClinVar aggregate classification (germline): Likely pathogenic (1 of 4 stars; one submission).

Conditions:
NIPBL-related disorder. Also called: NIPBL-related condition.

Submission:

PreventionGenetics, part of Exact Sciences
Classification: Likely pathogenic for NIPBL-related condition. Last evaluated: 2025-01-13. Review status: criteria provided, single submitter. Criteria: ACMG Guidelines, 2015. Collection method: clinical testing. Allele origin: germline.
Comment: The NIPBL c.4589_4590delCT variant is predicted to result in a frameshift and premature protein termination (p.Ser1530Leufs*2). To our knowledge, this variant has not been reported in the literature or in a large population database (gnomAD), indicating this variant is rare. Frameshift variants in NIPBL are expected to be pathogenic. This variant is interpreted as likely pathogenic.